The following is an entry in ClinVar:

NM_001166108.2(PALLD):c.1681C>A (p.His561Asn)

Gene: PALLD (palladin, cytoskeletal associated protein; plus strand). Cytogenetic location: 4q32.3.
Variant type: single nucleotide variant.
Coding change: c.1681C>A on transcript NM_001166108.2 (MANE Select); coding-DNA position 1681, C replaced by A.
Protein change: p.His561Asn; replaces histidine 561 with asparagine.
Molecular consequence: missense variant.
Genome position (GRCh38, 1-based): chr4:168,711,640, C>A. VCF-style: chr4-168711640-C-A. GRCh37 (hg19) VCF-style: chr4-169632791-C-A.
Other names: c.535C>A, p.His179Asn (NM_001166109.2); c.1681C>A, p.His561Asn (NM_016081.4); short protein forms H561N, H179N.
Identifiers: ClinVar variation 2448456 (VCV002448456.3), dbSNP rs763814940, ClinGen allele CA3135710.
Genomic context (GRCh38, chr4:168,711,640, plus strand): 5'-GCCAACACTGAAAACTGTAGTTACGAGTCAATGGGAGAATCCAACAATGACCACTTCCAA[C>A]ACTTTCCACCTCCCCCTCCAATCTTGGAGACAAGTTCCTTGGAGTTGGCTTCAAAGAAAC-3'
Protein context (NP_001159580.1, residues 551-571): MGESNNDHFQ[His561Asn]FPPPPPILET

ClinVar aggregate classification (germline): Uncertain significance. Review status: criteria provided, multiple submitters, no conflicts (2 of 4 stars). 2 submissions from 2 submitters: Uncertain significance (2). Last evaluated 2023-06-22.

Conditions:
Pancreatic cancer, susceptibility to, 1. Identifiers: Orphanet 1333, MedGen C1847351, MONDO:0011739, OMIM 606856.

Allele frequency attached by ClinVar (database versions not stated): gnomAD 0.00001.
gnomAD v4.1: 9 of 1,614,060 alleles (0.00056%); highest among the groups gnomAD compares: South Asian, 0.0099%; no homozygotes.

Submissions (2):

Neuberg Centre For Genomic Medicine, NCGM
Classification: Uncertain significance for Pancreatic cancer, susceptibility to, 1. Last evaluated: 2023-06-22. Review status: criteria provided, single submitter. Criteria: ACMG Guidelines, 2015. Collection method: clinical testing. Allele origin: germline. Inheritance: Autosomal dominant inheritance. Affected: yes.
Comment: The missense variant c.1681C>A (p.His561Asn) in PALLD gene has not been reported previously as a pathogenic variant nor as a benign variant, to our knowledge. The p.Asn541Asp variant is present with allele frequency of 0.001% in gnomAD exomes database. This variant has been submitted to the ClinVar database as Uncertain Significance. Computational evidence (SIFT - Tolerated and MutationTaster - Polymorphism) predict no damaging effect on protein structure and function for this variant. The reference amino acid at this position on PALLD gene is predicted as conserved by GERP++ and PhyloP across 100 vertebrates. The amino acid His at position 561 is changed to a Asn changing protein sequence and it might alter its composition and physico-chemical properties. For these reasons, this variant has been classified as Uncertain Significance (VUS).

Ambry Genetics
Classification: Uncertain significance. Last evaluated: 2022-11-25. Review status: criteria provided, single submitter. Criteria: Ambry Variant Classification Scheme 2023. Collection method: clinical testing. Allele origin: germline.
Comment: The p.H561N variant (also known as c.1681C>A), located in coding exon 9 of the PALLD gene, results from a C to A substitution at nucleotide position 1681. The histidine at codon 561 is replaced by asparagine, an amino acid with similar properties. This amino acid position is conserved. In addition, this alteration is predicted to be tolerated by in silico analysis. Since supporting evidence is limited at this time, the clinical significance of this alteration remains unclear.